The following is an entry in ClinVar:

NM_001042492.3(NF1):c.2843A>T (p.Gln948Leu)

Gene: NF1 (neurofibromin 1; plus strand). Cytogenetic location: 17q11.2.
Variant type: single nucleotide variant.
Coding change: c.2843A>T on transcript NM_001042492.3 (MANE Select); coding-DNA position 2843, A replaced by T.
Protein change: p.Gln948Leu; replaces glutamine 948 with leucine.
Molecular consequence: missense variant.
Genome position (GRCh38, 1-based): chr17:31,229,458, A>T. VCF-style: chr17-31229458-A-T. GRCh37 (hg19) VCF-style: chr17-29556476-A-T.
Other names: c.2843A>T, p.Gln948Leu (NM_000267.4); short protein forms Q948L.
Identifiers: ClinVar variation 2843363 (VCV002843363.3), dbSNP rs746384536, ClinGen allele CA398985873.

ClinVar aggregate classification (germline): Uncertain significance (1 of 4 stars; one submission).

Conditions:
Neurofibromatosis, type 1 (NF1). Also called: Neurofibromatosis, type I; VON RECKLINGHAUSEN DISEASE; NEUROFIBROMATOSIS, TYPE I, SOMATIC; Peripheral type neurofibromatosis. Identifiers: Orphanet 636, MedGen C0027831, MONDO:0018975, OMIM 162200. Disease mechanism: loss of function.

Submission:

Labcorp Genetics (formerly Invitae), Labcorp
Classification: Uncertain significance for Neurofibromatosis, type 1. Last evaluated: 2023-03-07. Review status: criteria provided, single submitter. Criteria: Invitae Variant Classification Sherloc (09022015). Collection method: clinical testing. Allele origin: germline.
Comment: In summary, the available evidence is currently insufficient to determine the role of this variant in disease. Therefore, it has been classified as a Variant of Uncertain Significance. Advanced modeling of protein sequence and biophysical properties (such as structural, functional, and spatial information, amino acid conservation, physicochemical variation, residue mobility, and thermodynamic stability) performed at Invitae indicates that this missense variant is expected to disrupt NF1 protein function. This variant has not been reported in the literature in individuals affected with NF1-related conditions. This variant is not present in population databases (gnomAD no frequency). This sequence change replaces glutamine, which is neutral and polar, with leucine, which is neutral and non-polar, at codon 948 of the NF1 protein (p.Gln948Leu).